The following is an entry in ClinVar:

ClinVar aggregate classification (germline): Uncertain significance (1 of 4 stars; one submission).

gnomAD v4.1: 3 of 1,614,212 alleles (0.00019%); highest among the groups gnomAD compares: East Asian, 0.0022%; no homozygotes.

Submission:

CeGaT Center for Human Genetics Tuebingen
Classification: Uncertain significance. Last evaluated: 2025-08-01. Review status: criteria provided, single submitter. Criteria: CeGaT Center For Human Genetics Tuebingen Variant Classification Criteria Version 2. Collection method: clinical testing. Allele origin: germline. Affected: yes. Observed: 1 variant allele.
Comment: TMEM222: PM2, PM3, PP3

NM_032125.3(TMEM222):c.526G>A (p.Gly176Arg)

Gene: TMEM222 (transmembrane protein 222; plus strand). Cytogenetic location: 1p36.11.
Variant type: single nucleotide variant.
Coding change: c.526G>A on transcript NM_032125.3 (MANE Select); coding-DNA position 526, G replaced by A.
Protein change: p.Gly176Arg; replaces glycine 176 with arginine.
Molecular consequence: missense variant. On other transcripts: non-coding transcript variant (3).
Genome position (GRCh38, 1-based): chr1:27,334,268, G>A. VCF-style: chr1-27334268-G-A. GRCh37 (hg19) VCF-style: chr1-27660759-G-A.
Other names: short protein forms G176R.
Identifiers: ClinVar variation 4084839 (VCV004084839.8).